The following is an entry in ClinVar:

NM_002691.4(POLD1):c.1700G>T (p.Gly567Val)

Gene: POLD1 (DNA polymerase delta 1, catalytic subunit; plus strand). Cytogenetic location: 19q13.33.
Variant type: single nucleotide variant.
Coding change: c.1700G>T on transcript NM_002691.4 (MANE Select); coding-DNA position 1700, G replaced by T.
Protein change: p.Gly567Val; replaces glycine 567 with valine.
Molecular consequence: missense variant. On other transcripts: non-coding transcript variant (1).
Genome position (GRCh38, 1-based): chr19:50,407,340, G>T. VCF-style: chr19-50407340-G-T. GRCh37 (hg19) VCF-style: chr19-50910597-G-T.
Other names: c.1700G>T, p.Gly567Val (NM_001256849.1, NM_001308632.1); c.1700G>T (NM_002691.2); short protein forms G567V.
Identifiers: ClinVar variation 660333 (VCV000660333.9), dbSNP rs1601220977, ClinGen allele CA406981198.

ClinVar aggregate classification (germline): Uncertain significance. Review status: criteria provided, multiple submitters, no conflicts (2 of 4 stars). 2 submissions from 2 submitters: Uncertain significance (2). Last evaluated 2024-06-26.

Conditions:
POLD1-related polyposis and colorectal cancer syndrome (CRCS10). Also called: Colorectal cancer, susceptibility to, 10; Colorectal cancer 10; COLORECTAL CANCER, SUSCEPTIBILITY TO, ON CHROMOSOME 19q. Identifiers: Orphanet 220460, MedGen C2675481, MONDO:0012953, OMIM 612591.
Hereditary cancer-predisposing syndrome. Also called: Hereditary neoplastic syndrome; Tumor predisposition; Hereditary Cancer Syndrome; Neoplastic Syndromes, Hereditary. Identifiers: Orphanet 140162, MedGen C0027672, MeSH D009386, MONDO:0015356.

Allele frequency attached by ClinVar (database versions not stated): gnomAD exomes below 0.00001.
gnomAD v4.1: 1 of 1,612,928 alleles (0.000062%); highest among the groups gnomAD compares: Non-Finnish European, 0.000085%; no homozygotes.

Submissions (2):

Ambry Genetics
Classification: Uncertain significance for Hereditary cancer-predisposing syndrome. Last evaluated: 2024-06-26. Review status: criteria provided, single submitter. Criteria: Ambry Variant Classification Scheme 2023. Collection method: clinical testing. Allele origin: germline.
Comment: The p.G567V variant (also known as c.1700G>T), located in coding exon 13 of the POLD1 gene, results from a G to T substitution at nucleotide position 1700. The glycine at codon 567 is replaced by valine, an amino acid with dissimilar properties. This amino acid position is conserved. In addition, this alteration is predicted to be tolerated by in silico analysis. Based on the available evidence, the clinical significance of this variant remains unclear.

Labcorp Genetics (formerly Invitae), Labcorp
Classification: Uncertain significance for POLD1-related polyposis and colorectal cancer syndrome. Last evaluated: 2018-07-05. Review status: criteria provided, single submitter. Criteria: Invitae Variant Classification Sherloc (09022015). Collection method: clinical testing. Allele origin: germline.
Comment: This variant is not present in population databases (ExAC no frequency). This sequence change replaces glycine with valine at codon 567 of the POLD1 protein (p.Gly567Val). The glycine residue is moderately conserved and there is a moderate physicochemical difference between glycine and valine. In summary, the available evidence is currently insufficient to determine the role of this variant in disease. Therefore, it has been classified as a Variant of Uncertain Significance. Algorithms developed to predict the effect of sequence changes on RNA splicing suggest that this variant may create or strengthen a splice site, but this prediction has not been confirmed by published transcriptional studies. Algorithms developed to predict the effect of missense changes on protein structure and function are either unavailable or do not agree on the potential impact of this missense change (SIFT: "Deleterious"; PolyPhen-2: "Benign"; Align-GVGD: "Class C15"). This variant has not been reported in the literature in individuals with POLD1-related disease.